The following is an entry in ClinVar:

NM_014003.4(DHX38):c.1048A>G (p.Arg350Gly)

Gene: DHX38 (DEAH-box helicase 38; plus strand). Cytogenetic location: 16q22.2.
Variant type: single nucleotide variant.
Coding change: c.1048A>G on transcript NM_014003.4 (MANE Select); coding-DNA position 1048, A replaced by G.
Protein change: p.Arg350Gly; replaces arginine 350 with glycine.
Molecular consequence: missense variant.
Genome position (GRCh38, 1-based): chr16:72,099,819, A>G. VCF-style: chr16-72099819-A-G. GRCh37 (hg19) VCF-style: chr16-72133718-A-G.
Other names: short protein forms R350G.
Identifiers: ClinVar variation 1488000 (VCV001488000.4), dbSNP rs766325359, ClinGen allele CA8160194.

ClinVar aggregate classification (germline): Uncertain significance (1 of 4 stars; one submission).

Allele frequency attached by ClinVar (database versions not stated): gnomAD 0.00001.

Submission:

Labcorp Genetics (formerly Invitae), Labcorp
Classification: Uncertain significance. Last evaluated: 2022-07-12. Review status: criteria provided, single submitter. Criteria: Invitae Variant Classification Sherloc (09022015). Collection method: clinical testing. Allele origin: germline.
Comment: Algorithms developed to predict the effect of missense changes on protein structure and function are either unavailable or do not agree on the potential impact of this missense change (SIFT: "Deleterious"; PolyPhen-2: "Benign"; Align-GVGD: "Class C45"). ClinVar contains an entry for this variant (Variation ID: 1488000). This variant has not been reported in the literature in individuals affected with DHX38-related conditions. This variant is present in population databases (rs766325359, gnomAD 0.009%). This sequence change replaces arginine, which is basic and polar, with glycine, which is neutral and non-polar, at codon 350 of the DHX38 protein (p.Arg350Gly). In summary, the available evidence is currently insufficient to determine the role of this variant in disease. Therefore, it has been classified as a Variant of Uncertain Significance.